The following is an entry in ClinVar:

NM_000238.4(KCNH2):c.1711A>G (p.Ile571Val)

Gene: KCNH2 (potassium voltage-gated channel subfamily H member 2; minus strand). Cytogenetic location: 7q36.1.
Variant type: single nucleotide variant.
Coding change: c.1711A>G on transcript NM_000238.4 (MANE Select); coding-DNA position 1711, A replaced by G.
Protein change: p.Ile571Val; replaces isoleucine 571 with valine.
Molecular consequence: missense variant.
Genome position (GRCh38, 1-based): chr7:150,951,682, T>C on the plus strand (A>G on the coding strand, the complement: KCNH2 is on the minus strand). VCF-style: chr7-150951682-T-C. GRCh37 (hg19) VCF-style: chr7-150648770-T-C.
Other names: c.1711A>G (LRG_288t1); c.691A>G, p.Ile231Val (NM_001204798.2, NM_172057.3); c.1423A>G, p.Ile475Val (NM_001406753.1, NM_001406756.1); c.1534A>G, p.Ile512Val (NM_001406755.1); c.1411A>G, p.Ile471Val (NM_001406757.1); c.1711A>G, p.Ile571Val (NM_172056.3); short protein forms I231V, I571V, I471V, I512V, I475V.
Identifiers: ClinVar variation 67247 (VCV000067247.10), dbSNP rs199472928, ClinGen allele CA005235.

ClinVar aggregate classification (germline): Pathogenic/Likely pathogenic. Review status: criteria provided, multiple submitters, no conflicts (2 of 4 stars). 4 submissions from 4 submitters: Pathogenic (1); Likely pathogenic (2). 1 of the submissions does not count toward it. Last evaluated 2025-08-11.

Conditions:
Cardiovascular phenotype. Identifiers: MedGen CN230736.
Familial long QT syndrome (RWS). Also called: Congenital long QT syndrome; Romano-Ward syndrome; VENTRICULAR FIBRILLATION WITH PROLONGED QT INTERVAL. Identifiers: Orphanet 768, MedGen C1141890, MONDO:0019171.
Long QT syndrome (LQTS). Identifiers: MedGen C0023976, MeSH D008133, MONDO:0002442. Disease mechanism: loss of function. Inheritance: Various modes of inheritance.

Submissions (4):

Labcorp Genetics (formerly Invitae), Labcorp
Classification: Likely pathogenic for Long QT syndrome. Last evaluated: 2025-08-11. Review status: criteria provided, single submitter. Criteria: Invitae Variant Classification Sherloc (09022015). Collection method: clinical testing. Allele origin: germline.
Comment: This sequence change replaces isoleucine, which is neutral and non-polar, with valine, which is neutral and non-polar, at codon 571 of the KCNH2 protein (p.Ile571Val). This variant is not present in population databases (gnomAD no frequency). This missense change has been observed in individuals with long QT syndrome (PMID: 16414944, 24103226; internal data). ClinVar contains an entry for this variant (Variation ID: 67247). An algorithm developed to predict the effect of missense changes on protein structure and function (PolyPhen-2) suggests that this variant is likely to be disruptive. Experimental studies have shown that this missense change affects KCNH2 function (PMID: 25417810). In summary, the currently available evidence indicates that the variant is pathogenic, but additional data are needed to prove that conclusively. Therefore, this variant has been classified as Likely Pathogenic.

Ambry Genetics
Classification: Likely pathogenic for Cardiovascular phenotype. Last evaluated: 2024-09-20. Review status: criteria provided, single submitter. Criteria: Ambry Variant Classification Scheme 2023. Collection method: clinical testing. Allele origin: germline.
Comment: The p.I571V variant (also known as c.1711A>G), located in coding exon 7 of the KCNH2 gene, results from an A to G substitution at nucleotide position 1711. The isoleucine at codon 571 is replaced by valine, an amino acid with highly similar properties. This variant has been detected in individuals with features consistent with long QT syndrome, including a de novo occurrence (LQTS) (Napolitano C et al. JAMA, 2005 Dec;294:2975-80; Anderson CL et al. Nat Commun. 2014 Nov;5:5535; external communication; Ambry internal data). In vitro functional studies have suggested that this alteration causes abnormal protein trafficking (Anderson CL et al. Nat Commun, 2014 Nov;5:5535). This amino acid position is highly conserved in available vertebrate species. In addition, this alteration is predicted to be deleterious by in silico analysis. This variant is considered to be rare based on population cohorts in the Genome Aggregation Database (gnomAD). Based on the majority of available evidence to date, this variant is likely to be pathogenic.

GeneDx
Classification: Pathogenic. Last evaluated: 2017-05-04. Review status: criteria provided, single submitter. Criteria: GeneDx Variant Classification (06012015). Collection method: clinical testing. Allele origin: germline. Affected: yes.
Comment: The I571V variant in the KCNH2 gene has been reported in one individual with LQTS and was absent in800 control chromosomes (Napolitano et al., 2005). Functional studies have shown that the I571V variant results in deficient sodium channel trafficking (Anderson et al., 2014). Although I571V results in aconservative amino acid substitution, it occurs at a position that is conserved across species. Missensevariants affecting the same residue (I571L, I571M) and in nearby residues (W568R, W568C, Y569H,Y569C, G572R, G572C) have been reported in HGMD in association with LQTS (Stenson P et al., 2014),further supporting the functional importance of this region of the protein. Furthermore, the I571V substitutionwas not observed in approximately 6,500 individuals of European and African American ancestry in theNHLBI Exome Sequencing Project, indicating it is not a common benign variant in these populations.In summary, I571V in the KCNH2 gene is interpreted as a pathogenic variant.

Cardiovascular Biomedical Research Unit, Royal Brompton & Harefield NHS Foundation Trust
No classification provided. Condition: Familial long QT syndrome. Review status: no classification provided. Collection method: literature only. Allele origin: germline. Not counted in ClinVar's aggregate classification.
Comment: This variant has been reported as associated with Long QT syndrome in the following publications (PMID:16414944). This is a literature report, and does not necessarily reflect the clinical interpretation of the Imperial College / Royal Brompton Cardiovascular Genetics laboratory.

Literature cited by the submitters: PubMed 16414944 (cited by 3 submitters); PubMed 24103226 (cited by Labcorp Genetics (formerly Invitae), Labcorp and Ambry Genetics); PubMed 25417810 (cited by Labcorp Genetics (formerly Invitae), Labcorp and Ambry Genetics); PubMed 37324772 (cited by Ambry Genetics); PubMed 22581653 (cited by Cardiovascular Biomedical Research Unit, Royal Brompton & Harefield NHS Foundation Trust).